The following is an entry in ClinVar:

NM_001370259.2(MEN1):c.1350+8A>G

Gene: MEN1 (menin 1; minus strand). Cytogenetic location: 11q13.1.
Variant type: single nucleotide variant.
Coding change: c.1350+8A>G on transcript NM_001370259.2 (MANE Select); 8 bases into the intron after coding-DNA position 1350, A replaced by G.
Molecular consequence: intron variant.
Genome position (GRCh38, 1-based): chr11:64,805,026, T>C on the plus strand (A>G on the coding strand, the complement: MEN1 is on the minus strand). VCF-style: chr11-64805026-T-C. GRCh37 (hg19) VCF-style: chr11-64572498-T-C.
Other names: c.1245+8A>G (NM_001407148.1, NM_001407149.1, NM_001370263.2 and 1 more transcripts); c.1350+8A>G (NM_130799.3, NM_001370260.2, NM_001407146.1 and 2 more transcripts); c.1476+8A>G (NM_001407144.1, NM_001370251.2, NM_001407142.1 and 1 more transcripts); c.1365+8A>G (NM_000244.4, NM_130801.3, NM_130800.3 and 4 more transcripts); c.1371+8A>G (NM_001407151.1); c.1186-210A>G (NM_001407152.1); c.1491+8A>G (NM_001407150.1).
Identifiers: ClinVar variation 3773362 (VCV003773362.1).

ClinVar aggregate classification (germline): Likely benign (1 of 4 stars; one submission).

Conditions:
Multiple endocrine neoplasia, type 1 (MEN1). Also called: MEN I; WERMER SYNDROME; Endocrine adenomatosis multiple; MEN 1; MEA I. Identifiers: Orphanet 652, MedGen C0025267, MeSH D018761, MONDO:0007540, OMIM 131100.

Submission:

Myriad Genetics, Inc.
Classification: Likely benign for Multiple endocrine neoplasia, type 1. Last evaluated: 2024-11-05. Review status: criteria provided, single submitter. Criteria: Myriad Autosomal Dominant, Autosomal Recessive and X-Linked Classification Criteria (2023). Collection method: clinical testing. Allele origin: unknown.
Comment: This variant is considered likely benign. This variant is intronic and is not expected to impact mRNA splicing.